The following is an entry in ClinVar:

NM_002519.3(NPAT):c.2023T>C (p.Ser675Pro)

Gene: NPAT (nuclear protein, coactivator of histone transcription; minus strand). Cytogenetic location: 11q22.3.
Variant type: single nucleotide variant.
Coding change: c.2023T>C on transcript NM_002519.3 (MANE Select); coding-DNA position 2023, T replaced by C.
Protein change: p.Ser675Pro; replaces serine 675 with proline.
Molecular consequence: missense variant.
Genome position (GRCh38, 1-based): chr11:108,172,961, A>G on the plus strand (T>C on the coding strand, the complement: NPAT is on the minus strand). VCF-style: chr11-108172961-A-G. GRCh37 (hg19) VCF-style: chr11-108043688-A-G.
Other names: c.2023T>C, p.Ser675Pro (NM_001321307.1); short protein forms S675P.
Identifiers: ClinVar variation 3638428 (VCV003638428.2).
Genomic context (GRCh38, chr11:108,172,961, plus strand): 5'-CAGGAGTGCCTTCTGGAGGCGTCAGTGCAACTTTCTCACAGTTAGCATTTCCACCTAAAG[A>G]GAGAAAAATAGTATTCTCTTCTTTTACAGAAGATGAAGGCTCCTGTGAATTCTCAGACTT-3'
Protein context (NP_002510.2, residues 665-685): SVKEENTIFL[Ser675Pro]LGGNANCEKV

ClinVar aggregate classification (germline): Uncertain significance (1 of 4 stars; one submission).

Submission:

Labcorp Genetics (formerly Invitae), Labcorp
Classification: Uncertain significance. Last evaluated: 2024-02-02. Review status: criteria provided, single submitter. Criteria: Invitae Variant Classification Sherloc (09022015). Collection method: clinical testing. Allele origin: germline.
Comment: This sequence change replaces serine, which is neutral and polar, with proline, which is neutral and non-polar, at codon 675 of the NPAT protein (p.Ser675Pro). This variant is not present in population databases (gnomAD no frequency). This variant has not been reported in the literature in individuals affected with NPAT-related conditions. An algorithm developed to predict the effect of missense changes on protein structure and function (PolyPhen-2) suggests that this variant is likely to be disruptive. In summary, the available evidence is currently insufficient to determine the role of this variant in disease. Therefore, it has been classified as a Variant of Uncertain Significance.